The following is an entry in ClinVar:

ClinVar aggregate classification (germline): Uncertain significance (1 of 4 stars; one submission).

Conditions:
Familial hypercholesterolemia. Also called: Familial hypercholesterolaemia. Identifiers: MedGen C0020445, MONDO:0005439.

Submission:

Genetics Laboratory, Great Ormond Street Hospital NHS Foundation Trust, North Thames Genomic Laboratory Hub
Classification: Uncertain significance for Familial hypercholesterolaemia. Last evaluated: 2025-07-24. Review status: criteria provided, single submitter. Criteria: ACGS Best Practice Guidelines for Variant Classification in Rare Disease 2024 v1.2. Collection method: clinical testing. Allele origin: germline. Affected: yes.
Comment: PM2_moderate, PM1_moderate

NM_000384.3(APOB):c.10406T>C (p.Leu3469Pro)

Gene: APOB (apolipoprotein B; minus strand). Cytogenetic location: 2p24.1.
Variant type: single nucleotide variant.
Coding change: c.10406T>C on transcript NM_000384.3 (MANE Select); coding-DNA position 10406, T replaced by C.
Protein change: p.Leu3469Pro; replaces leucine 3469 with proline.
Molecular consequence: missense variant.
Genome position (GRCh38, 1-based): chr2:21,006,462, A>G on the plus strand (T>C on the coding strand, the complement: APOB is on the minus strand). VCF-style: chr2-21006462-A-G. GRCh37 (hg19) VCF-style: chr2-21229334-A-G.
Other names: short protein forms L3469P.
Identifiers: ClinVar variation 4086260 (VCV004086260.1).